The following is an entry in ClinVar:

NM_001042492.3(NF1):c.6777G>A (p.Val2259=)

Gene: NF1 (neurofibromin 1; plus strand). Cytogenetic location: 17q11.2.
Variant type: single nucleotide variant.
Coding change: c.6777G>A on transcript NM_001042492.3 (MANE Select); coding-DNA position 6777, G replaced by A.
Protein change: p.Val2259=; no amino-acid change (valine 2259 retained).
Molecular consequence: synonymous variant.
Genome position (GRCh38, 1-based): chr17:31,338,097, G>A. VCF-style: chr17-31338097-G-A. GRCh37 (hg19) VCF-style: chr17-29665115-G-A.
Other names: c.6714G>A, p.Val2238= (NM_000267.4).
Identifiers: ClinVar variation 794866 (VCV000794866.32), dbSNP rs1281405147, ClinGen allele CA499234293.
Genomic context (GRCh38, chr17:31,338,097, plus strand): 5'-ATATAATCCATCCCTGCAACCAAGAGCTCTTGTTGTCTTTGGGTGTATTAGCAAACGAGT[G>A]TCTCATGGGCAGATAAAGCAGATAATCCGTATTCTTAGCAAGGTACCTGTTCCGCCCTCA-3'
Protein context (NP_001035957.1, residues 2249-2269): LVVFGCISKR[Val2259=]SHGQIKQIIR

ClinVar aggregate classification (germline): Benign/Likely benign. Review status: criteria provided, multiple submitters, no conflicts (2 of 4 stars). 4 submissions from 4 submitters: Benign (1); Likely benign (3). Last evaluated 2026-09-24.

Conditions:
Cardiovascular phenotype. Identifiers: MedGen CN230736.
Hereditary cancer-predisposing syndrome. Also called: Hereditary neoplastic syndrome; Neoplastic Syndromes, Hereditary; Tumor predisposition; Hereditary Cancer Syndrome. Identifiers: Orphanet 140162, MedGen C0027672, MeSH D009386, MONDO:0015356.
Neurofibromatosis, type 1 (NF1). Also called: Neurofibromatosis, type I; Peripheral type neurofibromatosis; VON RECKLINGHAUSEN DISEASE; NEUROFIBROMATOSIS, TYPE I, SOMATIC. Identifiers: Orphanet 636, MedGen C0027831, MONDO:0018975, OMIM 162200. Disease mechanism: loss of function.

Allele frequency attached by ClinVar (database versions not stated): gnomAD exomes below 0.00001; TOPMed 0.00001.
gnomAD v4.1: 1 of 1,613,914 alleles (0.000062%); highest among the groups gnomAD compares: African/African-American, 0.0013%; no homozygotes.

Submissions (4):

Myriad Genetics, Inc.
Classification: Benign for Neurofibromatosis, type 1. Last evaluated: 2026-09-24. Review status: criteria provided, single submitter. Criteria: Myriad Autosomal Dominant, Autosomal Recessive and X-Linked Classification Criteria (2023). Collection method: clinical testing. Allele origin: unknown.
Comment: This variant is considered benign. This variant is a silent/synonymous amino acid change and it is not expected to impact splicing.

Labcorp Genetics (formerly Invitae), Labcorp
Classification: Likely benign for Neurofibromatosis, type 1. Last evaluated: 2026-02-03. Review status: criteria provided, single submitter. Criteria: Invitae Variant Classification Sherloc (09022015). Collection method: clinical testing. Allele origin: germline.

CeGaT Center for Human Genetics Tuebingen
Classification: Likely benign. Last evaluated: 2023-04-01. Review status: criteria provided, single submitter. Criteria: CeGaT Center For Human Genetics Tuebingen Variant Classification Criteria Version 2. Collection method: clinical testing. Allele origin: germline. Affected: yes. Observed: 1 variant allele.
Comment: NF1: PM2:Supporting, BP4, BP7

Ambry Genetics
Classification: Likely benign for Cardiovascular phenotype; Hereditary cancer-predisposing syndrome. Last evaluated: 2020-07-29. Review status: criteria provided, single submitter. Criteria: Ambry Variant Classification Scheme 2023. Collection method: clinical testing. Allele origin: germline.